The following is an entry in ClinVar:

ClinVar aggregate classification (germline): Uncertain significance. Review status: criteria provided, multiple submitters, no conflicts (2 of 4 stars). 3 submissions from 3 submitters: Uncertain significance (3). Last evaluated 2025-10-30.

Conditions:
Hereditary cancer-predisposing syndrome. Also called: Hereditary Cancer Syndrome; Neoplastic Syndromes, Hereditary; Tumor predisposition; Hereditary neoplastic syndrome. Identifiers: Orphanet 140162, MedGen C0027672, MeSH D009386, MONDO:0015356.
BAP1-related tumor predisposition syndrome (TPDS1). Also called: Tumor susceptibility linked to germline BAP1 mutations; BAP1 tumor predisposition syndrome; COMMON Syndrome; TUMOR PREDISPOSITION SYNDROME 1. Identifiers: Orphanet 289539, MedGen C3280492, MONDO:0013692, OMIM 614327.

Allele frequency attached by ClinVar (database versions not stated): gnomAD exomes below 0.00001; TOPMed below 0.00001; gnomAD 0.00001.
gnomAD v4.1: 5 of 1,613,888 alleles (0.00031%); highest among the groups gnomAD compares: South Asian, 0.0033%; no homozygotes.

Submissions (3):

Labcorp Genetics (formerly Invitae), Labcorp
Classification: Uncertain significance for BAP1-related tumor predisposition syndrome. Last evaluated: 2025-10-30. Review status: criteria provided, single submitter. Criteria: Invitae Variant Classification Sherloc (09022015). Collection method: clinical testing. Allele origin: germline.
Comment: This sequence change replaces histidine, which is basic and polar, with arginine, which is basic and polar, at codon 326 of the BAP1 protein (p.His326Arg). This variant is not present in population databases (gnomAD no frequency). This variant has not been reported in the literature in individuals affected with BAP1-related conditions. ClinVar contains an entry for this variant (Variation ID: 490913). Invitae Evidence Modeling of protein sequence and biophysical properties (such as structural, functional, and spatial information, amino acid conservation, physicochemical variation, residue mobility, and thermodynamic stability) indicates that this missense variant is not expected to disrupt BAP1 protein function with a negative predictive value of 80%. In summary, the available evidence is currently insufficient to determine the role of this variant in disease. Therefore, it has been classified as a Variant of Uncertain Significance.

Color Diagnostics, LLC DBA Color Health
Classification: Uncertain significance for Hereditary cancer-predisposing syndrome. Last evaluated: 2024-03-06. Review status: criteria provided, single submitter. Criteria: ACMG Guidelines, 2015. Collection method: clinical testing. Allele origin: germline.
Comment: This missense variant replaces histidine with arginine at codon 326 of the BAP1 protein. Computational prediction suggests that this variant may not impact protein structure and function (internally defined REVEL score threshold <= 0.5, PMID: 27666373). To our knowledge, functional studies have not been reported for this variant. This variant has not been reported in individuals affected with BAP1-related disorders in the literature. This variant has not been identified in the general population by the Genome Aggregation Database (gnomAD). The available evidence is insufficient to determine the role of this variant in disease conclusively. Therefore, this variant is classified as a Variant of Uncertain Significance.

Ambry Genetics
Classification: Uncertain significance for Hereditary cancer-predisposing syndrome. Last evaluated: 2022-03-01. Review status: criteria provided, single submitter. Criteria: Ambry Variant Classification Scheme 2023. Collection method: clinical testing. Allele origin: germline.
Comment: The p.H326R variant (also known as c.977A>G), located in coding exon 11 of the BAP1 gene, results from an A to G substitution at nucleotide position 977. The histidine at codon 326 is replaced by arginine, an amino acid with highly similar properties. This amino acid position is conserved. In addition, this alteration is predicted to be tolerated by in silico analysis. Since supporting evidence is limited at this time, the clinical significance of this alteration remains unclear.

NM_004656.4(BAP1):c.977A>G (p.His326Arg)

Gene: BAP1 (BRCA1 associated deubiquitinase 1; minus strand). Cytogenetic location: 3p21.1.
Variant type: single nucleotide variant.
Coding change: c.977A>G on transcript NM_004656.4 (MANE Select); coding-DNA position 977, A replaced by G.
Protein change: p.His326Arg; replaces histidine 326 with arginine.
Molecular consequence: missense variant.
Genome position (GRCh38, 1-based): chr3:52,405,249, T>C on the plus strand (A>G on the coding strand, the complement: BAP1 is on the minus strand). VCF-style: chr3-52405249-T-C. GRCh37 (hg19) VCF-style: chr3-52439265-T-C.
Other names: short protein forms H326R.
Identifiers: ClinVar variation 490913 (VCV000490913.14), dbSNP rs1459459390, ClinGen allele CA353106142.
Genomic context (GRCh38, chr3:52,405,249, plus strand): 5'-ACCCCATTGAGGCTGCTGCCTGGAGGCTTCACCACTAGCTTGGGTTTGTTGGGAGGGCTG[T>C]GGGATGGGGCTTGTGCGCATGAACCAGCCGCCTCCTCTGCACCATCTGAGACAGGGCAAG-3'
Protein context (NP_004647.1, residues 316-336): AAGSCAQAPS[His326Arg]SPPNKPKLVV